The following is an entry in ClinVar:

ClinVar aggregate classification (germline): Pathogenic (1 of 4 stars; one submission).

Conditions:
Epidermolysis bullosa simplex 5B, with muscular dystrophy (EBS5B). Also called: EPIDERMOLYSIS BULLOSA SIMPLEX AND LIMB-GIRDLE MUSCULAR DYSTROPHY; Epidermolysis bullosa simplex with muscular dystrophy. Identifiers: Orphanet 257, MedGen C2931072, MONDO:0009181, OMIM 226670.

Submission:

3billion
Classification: Pathogenic for Epidermolysis bullosa simplex 5B, with muscular dystrophy. Last evaluated: 2025-12-15. Review status: criteria provided, single submitter. Criteria: ACMG Guidelines, 2015. Collection method: clinical testing. Allele origin: germline. Affected: yes.
Comment: The variant is not observed in the gnomAD v4.1.0 dataset. Predicted Consequence/Location: Stop-gained (nonsense): predicted to result in a loss or disruption of normal protein function through nonsense-mediated decay (NMD) or protein truncation. Multiple pathogenic variants are reported downstream of the variant. Therefore, this variant is classified as Pathogenic according to the recommendation of ACMG/AMP guideline.

NM_201378.4(PLEC):c.37C>T (p.Gln13Ter)

Gene: PLEC (plectin; minus strand). Cytogenetic location: 8q24.3.
Variant type: single nucleotide variant.
Coding change: c.37C>T on transcript NM_201378.4 (MANE Plus Clinical); coding-DNA position 37, C replaced by T.
Protein change: p.Gln13Ter; replaces glutamine 13 with a stop codon.
Molecular consequence: nonsense. On other transcripts: intron variant (2).
Genome position (GRCh38, 1-based): chr8:143,973,436, G>A on the plus strand (C>T on the coding strand, the complement: PLEC is on the minus strand). VCF-style: chr8-143973436-G-A. GRCh37 (hg19) VCF-style: chr8-145047604-G-A.
Other names: c.193+1741C>T (NM_001410941.1, NM_000445.5); short protein forms Q13*.
Identifiers: ClinVar variation 4854582 (VCV004854582.1).
Genomic context (GRCh38, chr8:143,973,436, plus strand): 5'-GACAGGCAGCGGGACGGGGGGCCGTACCTTTGTACTTCTCGCGCACCTCCTCGTAGGCCT[G>A]GATGAAGTCCTGCTCGTCGGGCAGCGGGCCGGCCATGCCGGCGGGCGCGGGGCGCGGGGT-3'